The following is an entry in ClinVar:

NM_001164508.2(NEB):c.15163C>T (p.Arg5055Cys)

Gene: NEB (nebulin; minus strand). Cytogenetic location: 2q23.3.
Variant type: single nucleotide variant.
Coding change: c.15163C>T on transcript NM_001164508.2 (MANE Select); coding-DNA position 15163, C replaced by T.
Protein change: p.Arg5055Cys; replaces arginine 5055 with cysteine.
Molecular consequence: missense variant. On other transcripts: intron variant (1).
Genome position (GRCh38, 1-based): chr2:151,589,972, G>A on the plus strand (C>T on the coding strand, the complement: NEB is on the minus strand). VCF-style: chr2-151589972-G-A. GRCh37 (hg19) VCF-style: chr2-152446486-G-A.
Other names: c.15163C>T, p.Arg5055Cys (NM_001164507.2, NM_001271208.2); c.11602-13618C>T (NM_004543.5); short protein forms R5055C.
Identifiers: ClinVar variation 514251 (VCV000514251.1), dbSNP rs1553847904, ClinGen allele CA348760701.
Genomic context (GRCh38, chr2:151,589,972, plus strand): 5'-TCCTGGCTTGGATCACATCATTCTGGTCGGGAAAGCAAGACCAGTGGTGCAGGTAATGGC[G>A]ATAGTCCACATCACTTGCCAGTGCCTGACCTTCTTTGGCAGCGCTGATGGACACCATGTC-3'
Protein context (NP_001157980.2, residues 5045-5065): GQALASDVDY[Arg5055Cys]HYLHHWSCFP

ClinVar aggregate classification (germline): Likely benign (1 of 4 stars; one submission).

Submission:

GeneDx
Classification: Likely benign. Last evaluated: 2017-12-28. Review status: criteria provided, single submitter. Criteria: GeneDx Variant Classification (06012015). Collection method: clinical testing. Allele origin: germline. Affected: yes.
Comment: This variant is considered likely benign or benign based on one or more of the following criteria: it is a conservative change, it occurs at a poorly conserved position in the protein, it is predicted to be benign by multiple in silico algorithms, and/or has population frequency not consistent with disease.